The following is an entry in ClinVar:

ClinVar aggregate classification (germline): Uncertain significance (1 of 4 stars; one submission).

Conditions:
Cardiovascular phenotype. Identifiers: MedGen CN230736.

Submission:

Ambry Genetics
Classification: Uncertain significance for Cardiovascular phenotype. Last evaluated: 2026-07-09. Review status: criteria provided, single submitter. Criteria: Ambry Variant Classification Scheme 2023. Collection method: clinical testing. Allele origin: germline.
Comment: The p.L1844V variant (also known as c.5530C>G), located in coding exon 22 of the AKAP9 gene, results from a C to G substitution at nucleotide position 5530. The leucine at codon 1844 is replaced by valine, an amino acid with highly similar properties. This amino acid position is conserved. In addition, this alteration is predicted to be tolerated by in silico analysis. Based on the available evidence, the clinical significance of this variant remains unclear.

NM_005751.5(AKAP9):c.5530C>G (p.Leu1844Val)

Gene: AKAP9 (A-kinase anchoring protein 9; plus strand). Cytogenetic location: 7q21.2.
Variant type: single nucleotide variant.
Coding change: c.5530C>G on transcript NM_005751.5 (MANE Select); coding-DNA position 5530, C replaced by G.
Protein change: p.Leu1844Val; replaces leucine 1844 with valine.
Molecular consequence: missense variant.
Genome position (GRCh38, 1-based): chr7:92,052,887, C>G. VCF-style: chr7-92052887-C-G. GRCh37 (hg19) VCF-style: chr7-91682201-C-G.
Other names: c.5530C>G, p.Leu1844Val (NM_147185.3); short protein forms L1844V.
Identifiers: ClinVar variation 5033904 (VCV005033904.1).